The following is an entry in ClinVar:

NM_001128225.3(SLC39A13):c.1024G>A (p.Glu342Lys)

Gene: SLC39A13 (solute carrier family 39 member 13; plus strand). Cytogenetic location: 11p11.2.
Variant type: single nucleotide variant.
Coding change: c.1024G>A on transcript NM_001128225.3 (MANE Select); coding-DNA position 1024, G replaced by A.
Protein change: p.Glu342Lys; replaces glutamic acid 342 with lysine.
Molecular consequence: missense variant. On other transcripts: 3 prime UTR variant (3), non-coding transcript variant (1).
Genome position (GRCh38, 1-based): chr11:47,415,143, G>A. VCF-style: chr11-47415143-G-A. GRCh37 (hg19) VCF-style: chr11-47436694-G-A.
Other names: c.*21G>A (NM_001330245.2, NM_001441275.1, NM_001441276.1); c.1003G>A, p.Glu335Lys (NM_001441271.1, NM_152264.5); c.916G>A, p.Glu306Lys (NM_001441272.1); c.913G>A, p.Glu305Lys (NM_001441273.1); c.805G>A, p.Glu269Lys (NM_001441274.1); short protein forms E269K, E335K, E342K, E305K, E306K.
Identifiers: ClinVar variation 4741850 (VCV004741850.1).

ClinVar aggregate classification (germline): Uncertain significance (1 of 4 stars; one submission).

Conditions:
Ehlers-Danlos syndrome, spondylodysplastic type, 3. Also called: Ehlers-Danlos syndrome, spondylocheirodysplastic type. Identifiers: Orphanet 157965, MedGen C2676510, MONDO:0012873, OMIM 612350.

Submission:

Labcorp Genetics (formerly Invitae), Labcorp
Classification: Uncertain significance for Ehlers-Danlos syndrome, spondylodysplastic type, 3. Last evaluated: 2025-02-25. Review status: criteria provided, single submitter. Criteria: Invitae Variant Classification Sherloc (09022015). Collection method: clinical testing. Allele origin: germline.
Comment: This sequence change replaces glutamic acid, which is acidic and polar, with lysine, which is basic and polar, at codon 335 of the SLC39A13 protein (p.Glu335Lys). This variant is not present in population databases (gnomAD no frequency). This variant has not been reported in the literature in individuals affected with SLC39A13-related conditions. Invitae Evidence Modeling of protein sequence and biophysical properties (such as structural, functional, and spatial information, amino acid conservation, physicochemical variation, residue mobility, and thermodynamic stability) indicates that this missense variant is not expected to disrupt SLC39A13 protein function with a negative predictive value of 80%. In summary, the available evidence is currently insufficient to determine the role of this variant in disease. Therefore, it has been classified as a Variant of Uncertain Significance.